The following is an entry in ClinVar:

NM_012233.3(RAB3GAP1):c.2236A>G (p.Ile746Val)

Gene: RAB3GAP1 (RAB3 GTPase activating protein catalytic subunit 1; plus strand). Cytogenetic location: 2q21.3.
Variant type: single nucleotide variant.
Coding change: c.2236A>G on transcript NM_012233.3 (MANE Select); coding-DNA position 2236, A replaced by G.
Protein change: p.Ile746Val; replaces isoleucine 746 with valine.
Molecular consequence: missense variant.
Genome position (GRCh38, 1-based): chr2:135,153,823, A>G. VCF-style: chr2-135153823-A-G. GRCh37 (hg19) VCF-style: chr2-135911393-A-G.
Other names: c.2236A>G, p.Ile746Val (NM_001172435.2); short protein forms I746V.
Identifiers: ClinVar variation 3150730 (VCV003150730.2), dbSNP rs557690189, ClinGen allele CA1884998.

ClinVar aggregate classification (germline): Conflicting classifications of pathogenicity. Review status: criteria provided, conflicting classifications (1 of 4 stars). 2 submissions from 2 submitters: Uncertain significance (1); Likely benign (1). Last evaluated 2025-11-19.

Conditions:
RAB3GAP1-related disorder. Also called: RAB3GAP1-related disorders; RAB3GAP1-related condition.
Inborn genetic diseases. Identifiers: MedGen C0950123, MeSH D030342.

Allele frequency attached by ClinVar (database versions not stated): ExAC 0.00003; TOPMed 0.00007; 1000 Genomes Project 0.00020; 1000 Genomes Project 30x 0.00031.
gnomAD v4.1: 19 of 1,614,038 alleles (0.0012%); highest among the groups gnomAD compares: African/African-American, 0.023%; no homozygotes.

Submissions (2):

PreventionGenetics, part of Exact Sciences
Classification: Uncertain significance for RAB3GAP1-related condition. Last evaluated: 2025-11-19. Review status: criteria provided, single submitter. Criteria: ACMG Guidelines, 2015. Collection method: clinical testing. Allele origin: germline.
Comment: The RAB3GAP1 c.2236A>G variant is predicted to result in the amino acid substitution p.Ile746Val. To our knowledge, this variant has not been reported in the literature. This variant is reported in 0.024% of alleles in individuals of African descent in gnomAD. At this time, the clinical significance of this variant is uncertain due to the absence of conclusive functional and genetic evidence.

Ambry Genetics
Classification: Likely benign for Inborn genetic diseases. Last evaluated: 2023-12-09. Review status: criteria provided, single submitter. Criteria: Ambry Variant Classification Scheme 2023. Collection method: clinical testing. Allele origin: germline.